The following is an entry in ClinVar:

NM_000212.3(ITGB3):c.737A>C (p.Glu246Ala)

Gene: ITGB3 (integrin subunit beta 3; plus strand). Cytogenetic location: 17q21.32.
Variant type: single nucleotide variant.
Coding change: c.737A>C on transcript NM_000212.3 (MANE Select); coding-DNA position 737, A replaced by C.
Protein change: p.Glu246Ala; replaces glutamic acid 246 with alanine.
Molecular consequence: missense variant.
Genome position (GRCh38, 1-based): chr17:47,286,382, A>C. VCF-style: chr17-47286382-A-C. GRCh37 (hg19) VCF-style: chr17-45363748-A-C.
Other names: short protein forms E246A.
Identifiers: ClinVar variation 4998832 (VCV004998832.1).
Genomic context (GRCh38, chr17:47,286,382, plus strand): 5'-TGACCCGCTTCAATGAGGAAGTGAAGAAGCAGAGTGTGTCACGGAACCGAGATGCCCCAG[A>C]GGGTGGCTTTGATGCCATCATGCAGGCTACAGTCTGTGATGTGAGTTTGGAGGACTTGGA-3'
Protein context (NP_000203.2, residues 236-256): QSVSRNRDAP[Glu246Ala]GGFDAIMQAT

ClinVar aggregate classification (germline): Uncertain significance (1 of 4 stars; one submission).

Conditions:
ITGB3-related disorder. Also called: ITGB3-related condition.

Submission:

PreventionGenetics, part of Exact Sciences
Classification: Uncertain significance for ITGB3-related condition. Last evaluated: 2025-07-16. Review status: criteria provided, single submitter. Criteria: ACMG Guidelines, 2015. Collection method: clinical testing. Allele origin: germline.
Comment: The ITGB3 c.737A>C variant is predicted to result in the amino acid substitution p.Glu246Ala. To our knowledge, this variant has not been reported in the literature or in a large population database (gnomAD), indicating this variant is rare. At this time, the clinical significance of this variant is uncertain due to the absence of conclusive functional and genetic evidence.